The following is an entry in ClinVar:

NM_001206927.2(DNAH8):c.8354T>A (p.Leu2785His)

Gene: DNAH8 (dynein axonemal heavy chain 8; plus strand). Cytogenetic location: 6p21.2.
Variant type: single nucleotide variant.
Coding change: c.8354T>A on transcript NM_001206927.2 (MANE Select); coding-DNA position 8354, T replaced by A.
Protein change: p.Leu2785His; replaces leucine 2785 with histidine.
Molecular consequence: missense variant.
Genome position (GRCh38, 1-based): chr6:38,886,885, T>A. VCF-style: chr6-38886885-T-A. GRCh37 (hg19) VCF-style: chr6-38854661-T-A.
Other names: c.7703T>A, p.Leu2568His (NM_001371.4); short protein forms L2785H, L2568H.
Identifiers: ClinVar variation 3693847 (VCV003693847.2).

ClinVar aggregate classification (germline): Uncertain significance (1 of 4 stars; one submission).

Conditions:
Primary ciliary dyskinesia. Also called: Ciliary dyskinesia. Identifiers: Orphanet 244, MedGen C0008780, MONDO:0016575, HP:0012265.

Submission:

Labcorp Genetics (formerly Invitae), Labcorp
Classification: Uncertain significance for Primary ciliary dyskinesia. Last evaluated: 2024-03-21. Review status: criteria provided, single submitter. Criteria: Invitae Variant Classification Sherloc (09022015). Collection method: clinical testing. Allele origin: germline.
Comment: This sequence change replaces leucine, which is neutral and non-polar, with histidine, which is basic and polar, at codon 2785 of the DNAH8 protein (p.Leu2785His). This variant is present in population databases (no rsID available, gnomAD 0.006%). This variant has not been reported in the literature in individuals affected with DNAH8-related conditions. Advanced modeling of protein sequence and biophysical properties (such as structural, functional, and spatial information, amino acid conservation, physicochemical variation, residue mobility, and thermodynamic stability) performed at Invitae indicates that this missense variant is expected to disrupt DNAH8 protein function with a positive predictive value of 80%. In summary, the available evidence is currently insufficient to determine the role of this variant in disease. Therefore, it has been classified as a Variant of Uncertain Significance.